The following is an entry in ClinVar:

ClinVar aggregate classification (germline): Uncertain significance (1 of 4 stars; one submission).

Submission:

GeneDx
Classification: Uncertain significance. Last evaluated: 2026-03-01. Review status: criteria provided, single submitter. Criteria: GeneDx Variant Classification Process June 2021. Collection method: clinical testing. Allele origin: germline.
Comment: Not observed at significant frequency in large population cohorts (gnomAD); In silico analysis supports that this missense variant has a deleterious effect on protein structure/function; Has not been previously published as pathogenic or benign to our knowledge

NM_000113.3(TOR1A):c.628G>A (p.Gly210Arg)

Gene: TOR1A (torsin family 1 member A; minus strand). Cytogenetic location: 9q34.11.
Variant type: single nucleotide variant.
Coding change: c.628G>A on transcript NM_000113.3 (MANE Select); coding-DNA position 628, G replaced by A.
Protein change: p.Gly210Arg; replaces glycine 210 with arginine.
Molecular consequence: missense variant.
Genome position (GRCh38, 1-based): chr9:129,818,640, C>T on the plus strand (G>A on the coding strand, the complement: TOR1A is on the minus strand). VCF-style: chr9-129818640-C-T. GRCh37 (hg19) VCF-style: chr9-132580919-C-T.
Other names: short protein forms G210R.
Identifiers: ClinVar variation 5008305 (VCV005008305.1).